The following is an entry in ClinVar:

NM_002471.4(MYH6):c.4360-6G>A

Gene: MYH6 (myosin heavy chain 6; minus strand). Cytogenetic location: 14q11.2.
Variant type: single nucleotide variant.
Coding change: c.4360-6G>A on transcript NM_002471.4 (MANE Select); 6 bases into the intron before coding-DNA position 4360, G replaced by A.
Molecular consequence: intron variant.
Genome position (GRCh38, 1-based): chr14:23,387,929, C>T on the plus strand (G>A on the coding strand, the complement: MYH6 is on the minus strand). VCF-style: chr14-23387929-C-T. GRCh37 (hg19) VCF-style: chr14-23857138-C-T.
Other names: c.4360-6G>A (NM_002471.3).
Identifiers: ClinVar variation 2501937 (VCV002501937.4), dbSNP rs780182033, ClinGen allele CA7114785.

ClinVar aggregate classification (germline): Uncertain significance. Review status: criteria provided, multiple submitters, no conflicts (2 of 4 stars). 3 submissions from 3 submitters: Uncertain significance (3). Last evaluated 2026-03-28.

Conditions:
MYH6-related disorder. Also called: MYH6-Related Disorders; MYH6-related condition.
Hypertrophic cardiomyopathy 14. Identifiers: MedGen C2750467, MONDO:0013197, OMIM 613251.

Allele frequency attached by ClinVar (database versions not stated): gnomAD 0.00001; ExAC 0.00002; TOPMed 0.00003.

Submissions (3):

GeneDx
Classification: Uncertain significance. Last evaluated: 2026-03-28. Review status: criteria provided, single submitter. Criteria: GeneDx Variant Classification Process June 2021. Collection method: clinical testing. Allele origin: germline.
Comment: Has not been previously published as pathogenic or benign to our knowledge; Not observed at significant frequency in large population cohorts (gnomAD); In silico analysis supports a deleterious effect on splicing

Labcorp Genetics (formerly Invitae), Labcorp
Classification: Uncertain significance for Hypertrophic cardiomyopathy 14. Last evaluated: 2025-07-08. Review status: criteria provided, single submitter. Criteria: Invitae Variant Classification Sherloc (09022015). Collection method: clinical testing. Allele origin: germline.
Comment: This sequence change falls in intron 30 of the MYH6 gene. It does not directly change the encoded amino acid sequence of the MYH6 protein. This variant is present in population databases (rs780182033, gnomAD 0.003%). This variant has not been reported in the literature in individuals affected with MYH6-related conditions. ClinVar contains an entry for this variant (Variation ID: 2501937). Algorithms developed to predict the effect of sequence changes on RNA splicing suggest that this variant may disrupt the consensus splice site. In summary, the available evidence is currently insufficient to determine the role of this variant in disease. Therefore, it has been classified as a Variant of Uncertain Significance.

PreventionGenetics, part of Exact Sciences
Classification: Uncertain significance for MYH6-related condition. Last evaluated: 2024-11-09. Review status: criteria provided, single submitter. Criteria: ACMG Guidelines, 2015. Collection method: clinical testing. Allele origin: germline.
Comment: The MYH6 c.4360-6G>A variant is predicted to interfere with splicing. This variant is predicted to create a splice cryptic splice acceptor site (SpliceAI, Jaganathan et al. 2019. PubMed ID: 30661751); However, the use of computer prediction programs is not equivalent to functional evidence. To our knowledge, this variant has not been reported in the literature. This variant is reported in 0.0033% of alleles in individuals of South Asian descent in gnomAD. At this time, the clinical significance of this variant is uncertain due to the absence of conclusive functional and genetic evidence.